The following is an entry in ClinVar:

NM_005188.4(CBL):c.2433A>G (p.Thr811=)

Gene: CBL (Cbl proto-oncogene; plus strand). Cytogenetic location: 11q23.3.
Variant type: single nucleotide variant.
Coding change: c.2433A>G on transcript NM_005188.4 (MANE Select); coding-DNA position 2433, A replaced by G.
Protein change: p.Thr811=; no amino-acid change (threonine 811 retained).
Molecular consequence: synonymous variant.
Genome position (GRCh38, 1-based): chr11:119,298,539, A>G. VCF-style: chr11-119298539-A-G. GRCh37 (hg19) VCF-style: chr11-119169249-A-G.
Identifiers: ClinVar variation 1334237 (VCV001334237.10), dbSNP rs200566020, ClinGen allele CA229650974.

ClinVar aggregate classification (germline): Conflicting classifications of pathogenicity. Review status: criteria provided, conflicting classifications (1 of 4 stars). 3 submissions from 3 submitters: Uncertain significance (2); Likely benign (1). Last evaluated 2024-10-14.

Conditions:
Noonan syndrome and Noonan-related syndrome. Identifiers: Orphanet 98733, MedGen C5681679, MONDO:0020297.
RASopathy. Also called: rasopathies; Noonan spectrum disorder. Identifiers: Orphanet 536391, MedGen C5555857, MONDO:0021060.

Allele frequency attached by ClinVar (database versions not stated): gnomAD exomes below 0.00001; TOPMed below 0.00001; gnomAD 0.00001.
gnomAD v4.1: 18 of 1,613,904 alleles (0.0011%); highest among the groups gnomAD compares: Non-Finnish European, 0.0015%; no homozygotes.

Submissions (3):

Blueprint Genetics
Classification: Likely benign. Last evaluated: 2024-10-14. Review status: criteria provided, single submitter. Criteria: ACMG Guidelines, 2015. Collection method: clinical testing. Allele origin: germline.

Labcorp Genetics (formerly Invitae), Labcorp
Classification: Uncertain significance for RASopathy. Last evaluated: 2024-02-16. Review status: criteria provided, single submitter. Criteria: Invitae Variant Classification Sherloc (09022015). Collection method: clinical testing. Allele origin: germline.
Comment: This sequence change affects codon 811 of the CBL mRNA. It is a 'silent' change, meaning that it does not change the encoded amino acid sequence of the CBL protein. It affects a nucleotide within the consensus splice site. This variant is present in population databases (rs200566020, gnomAD 0.0009%). This variant has not been reported in the literature in individuals affected with CBL-related conditions. ClinVar contains an entry for this variant (Variation ID: 1334237). Algorithms developed to predict the effect of sequence changes on RNA splicing suggest that this variant is not likely to affect RNA splicing. In summary, the available evidence is currently insufficient to determine the role of this variant in disease. Therefore, it has been classified as a Variant of Uncertain Significance.

Genome Diagnostics Laboratory, The Hospital for Sick Children
Classification: Uncertain significance for Noonan syndrome and Noonan-related syndrome. Last evaluated: 2019-04-01. Review status: criteria provided, single submitter. Criteria: ACMG Guidelines, 2015. Collection method: clinical testing. Allele origin: germline.